The following is an entry in ClinVar:

NM_001142800.2(EYS):c.9420A>C (p.Gln3140His)

Genes: EYS (eyes shut homolog; minus strand), PHF3 (PHD finger protein 3; plus strand). Cytogenetic location: 6q12.
Variant type: single nucleotide variant.
Coding change: c.9420A>C on transcript NM_001142800.2 (MANE Select); coding-DNA position 9420, A replaced by C.
Protein change: p.Gln3140His; replaces glutamine 3140 with histidine.
Molecular consequence: missense variant. On other transcripts: 3 prime UTR variant (5).
Genome position (GRCh38, 1-based): chr6:63,720,611, T>G on the plus strand (A>C on the coding strand, the complement: EYS is on the minus strand). VCF-style: chr6-63720611-T-G. GRCh37 (hg19) VCF-style: chr6-64430507-T-G.
Other names: c.*6903T>G (NM_001290259.2, NM_001370348.2, NM_001370349.2 and 2 more transcripts); c.9483A>C, p.Gln3161His (NM_001292009.2); short protein forms Q3140H, Q3161H.
Identifiers: ClinVar variation 1060432 (VCV001060432.8), dbSNP rs898765917, ClinGen allele CA140236778.

ClinVar aggregate classification (germline): Uncertain significance. Review status: criteria provided, single submitter (1 of 4 stars). 2 submissions from 2 submitters: Uncertain significance (1). 1 of the submissions does not count toward it. Last evaluated 2022-09-13.

Conditions:
Retinitis pigmentosa 25 (RP25). Identifiers: Orphanet 791, MedGen C1864446, MONDO:0011272, OMIM 602772.

Allele frequency attached by ClinVar (database versions not stated): gnomAD exomes below 0.00001; TOPMed below 0.00001; gnomAD 0.00001.
gnomAD v4.1: 6 of 1,485,764 alleles (0.0004%); highest among the groups gnomAD compares: Non-Finnish European, 0.00045%; no homozygotes.

Submissions (2):

Labcorp Genetics (formerly Invitae), Labcorp
Classification: Uncertain significance. Last evaluated: 2022-09-13. Review status: criteria provided, single submitter. Criteria: Invitae Variant Classification Sherloc (09022015). Collection method: clinical testing. Allele origin: germline.
Comment: In summary, the available evidence is currently insufficient to determine the role of this variant in disease. Therefore, it has been classified as a Variant of Uncertain Significance. Algorithms developed to predict the effect of missense changes on protein structure and function output the following: SIFT: "Deleterious"; PolyPhen-2: "Possibly Damaging"; Align-GVGD: "Class C0". The histidine amino acid residue is found in multiple mammalian species, which suggests that this missense change does not adversely affect protein function. ClinVar contains an entry for this variant (Variation ID: 1060432). This variant has not been reported in the literature in individuals affected with EYS-related conditions. This variant is not present in population databases (gnomAD no frequency). This sequence change replaces glutamine, which is neutral and polar, with histidine, which is basic and polar, at codon 3140 of the EYS protein (p.Gln3140His).

Natera, Inc.
Classification: Uncertain significance for Retinitis pigmentosa type 25. Last evaluated: 2021-01-14. Review status: no assertion criteria provided. Collection method: clinical testing. Allele origin: germline. Not counted in ClinVar's aggregate classification.